The following is an entry in ClinVar:

ClinVar aggregate classification (germline): Likely benign. Review status: criteria provided, multiple submitters, no conflicts (2 of 4 stars). 2 submissions from 2 submitters: Likely benign (2). Last evaluated 2024-11-20.

Allele frequency attached by ClinVar (database versions not stated): gnomAD exomes below 0.00001; gnomAD 0.00001; TOPMed 0.00001.
gnomAD v4.1: 17 of 1,612,294 alleles (0.0011%); highest among the groups gnomAD compares: Non-Finnish European, 0.0013%; no homozygotes.

Submissions (2):

Labcorp Genetics (formerly Invitae), Labcorp
Classification: Likely benign. Last evaluated: 2024-11-20. Review status: criteria provided, single submitter. Criteria: Invitae Variant Classification Sherloc (09022015). Collection method: clinical testing. Allele origin: germline.

GeneDx
Classification: Likely benign. Last evaluated: 2018-05-06. Review status: criteria provided, single submitter. Criteria: GeneDx Variant Classification (06012015). Collection method: clinical testing. Allele origin: germline. Affected: yes.
Comment: This variant is considered likely benign or benign based on one or more of the following criteria: it is a conservative change, it occurs at a poorly conserved position in the protein, it is predicted to be benign by multiple in silico algorithms, and/or has population frequency not consistent with disease.

NM_002907.4(RECQL):c.1569T>C (p.Gly523=)

Gene: RECQL (RecQ like helicase; minus strand). Cytogenetic location: 12p12.1.
Variant type: single nucleotide variant.
Coding change: c.1569T>C on transcript NM_002907.4 (MANE Select); coding-DNA position 1569, T replaced by C.
Protein change: p.Gly523=; no amino-acid change (glycine 523 retained).
Molecular consequence: synonymous variant.
Genome position (GRCh38, 1-based): chr12:21,471,526, A>G on the plus strand (T>C on the coding strand, the complement: RECQL is on the minus strand). VCF-style: chr12-21471526-A-G. GRCh37 (hg19) VCF-style: chr12-21624460-A-G.
Other names: c.1569T>C, p.Gly523= (NM_032941.3).
Identifiers: ClinVar variation 668268 (VCV000668268.9), dbSNP rs1001852793, ClinGen allele CA233565396.